The following is an entry in ClinVar:

NM_014846.4(WASHC5):c.2711C>T (p.Thr904Ile)

Genes: WASHC5 (WASH complex subunit 5; minus strand), WASHC5-AS1 (WASHC5 antisense RNA 1; plus strand). Cytogenetic location: 8q24.13.
Variant type: single nucleotide variant.
Coding change: c.2711C>T on transcript NM_014846.4 (MANE Select); coding-DNA position 2711, C replaced by T.
Protein change: p.Thr904Ile; replaces threonine 904 with isoleucine.
Molecular consequence: missense variant.
Genome position (GRCh38, 1-based): chr8:125,044,051, G>A on the plus strand (C>T on the coding strand, the complement: WASHC5 is on the minus strand). VCF-style: chr8-125044051-G-A. GRCh37 (hg19) VCF-style: chr8-126056293-G-A.
Other names: c.2711C>T (NM_014846.3); c.2267C>T, p.Thr756Ile (NM_001330609.2); short protein forms T756I, T904I.
Identifiers: ClinVar variation 2940296 (VCV002940296.4), dbSNP rs780949103, ClinGen allele CA4873458.

ClinVar aggregate classification (germline): Uncertain significance. Review status: criteria provided, multiple submitters, no conflicts (2 of 4 stars). 2 submissions from 2 submitters: Uncertain significance (2). Last evaluated 2026-01-07.

Conditions:
WASHC5-related disorder. Also called: WASHC5-related condition.
Ritscher-Schinzel syndrome. Also called: CRANIOCEREBELLOCARDIAC DYSPLASIA. Identifiers: Orphanet 7, MedGen C0796137, MONDO:0019078.
Hereditary spastic paraplegia 8 (SPG8). Also called: SPASTIC PARAPLEGIA 8, AUTOSOMAL DOMINANT. Identifiers: Orphanet 100989, MedGen C1863704, MONDO:0011339, OMIM 603563.

gnomAD v4.1: 12 of 1,613,566 alleles (0.00074%); highest among the groups gnomAD compares: Admixed American, 0.02%; no homozygotes.

Submissions (2):

Labcorp Genetics (formerly Invitae), Labcorp
Classification: Uncertain significance for Ritscher-Schinzel syndrome; Hereditary spastic paraplegia 8. Last evaluated: 2026-01-07. Review status: criteria provided, single submitter. Criteria: Invitae Variant Classification Sherloc (09022015). Collection method: clinical testing. Allele origin: germline.
Comment: This sequence change replaces threonine, which is neutral and polar, with isoleucine, which is neutral and non-polar, at codon 904 of the WASHC5 protein (p.Thr904Ile). This variant is present in population databases (rs780949103, gnomAD 0.03%). This variant has not been reported in the literature in individuals affected with WASHC5-related conditions. ClinVar contains an entry for this variant (Variation ID: 2940296). Invitae Evidence Modeling of protein sequence and biophysical properties (such as structural, functional, and spatial information, amino acid conservation, physicochemical variation, residue mobility, and thermodynamic stability) indicates that this missense variant is not expected to disrupt WASHC5 protein function with a negative predictive value of 80%. In summary, the available evidence is currently insufficient to determine the role of this variant in disease. Therefore, it has been classified as a Variant of Uncertain Significance.

PreventionGenetics, part of Exact Sciences
Classification: Uncertain significance for WASHC5-related condition. Last evaluated: 2025-05-07. Review status: criteria provided, single submitter. Criteria: ACMG Guidelines, 2015. Collection method: clinical testing. Allele origin: germline.
Comment: The WASHC5 c.2711C>T variant is predicted to result in the amino acid substitution p.Thr904Ile. To our knowledge, this variant has not been reported in the literature. This variant is reported in 0.028% of alleles in individuals of Latino descent in gnomAD. At this time, the clinical significance of this variant is uncertain due to the absence of conclusive functional and genetic evidence.